The following is an entry in ClinVar:

ClinVar aggregate classification (germline): Uncertain significance (1 of 4 stars; one submission).

Conditions:
Charcot-Marie-Tooth disease axonal type 2O. Also called: CHARCOT-MARIE-TOOTH NEUROPATHY, AXONAL, TYPE 2O; CHARCOT-MARIE-TOOTH DISEASE, AXONAL, AUTOSOMAL DOMINANT, TYPE 2O; Charcot-Marie-Tooth Neuropathy Type 2O; Charcot-Marie-Tooth disease, axonal, type 20. Identifiers: Orphanet 284232, MedGen C3280220, MONDO:0013644, OMIM 614228.

Submission:

Labcorp Genetics (formerly Invitae), Labcorp
Classification: Uncertain significance for Charcot-Marie-Tooth disease axonal type 2O. Last evaluated: 2025-07-06. Review status: criteria provided, single submitter. Criteria: Invitae Variant Classification Sherloc (09022015). Collection method: clinical testing. Allele origin: germline.
Comment: This sequence change replaces isoleucine, which is neutral and non-polar, with leucine, which is neutral and non-polar, at codon 3578 of the DYNC1H1 protein (p.Ile3578Leu). This variant is not present in population databases (gnomAD no frequency). This variant has not been reported in the literature in individuals affected with DYNC1H1-related conditions. Invitae Evidence Modeling of protein sequence and biophysical properties (such as structural, functional, and spatial information, amino acid conservation, physicochemical variation, residue mobility, and thermodynamic stability) has been performed for this missense variant. However, the output from this modeling did not meet the statistical confidence thresholds required to predict the impact of this variant on DYNC1H1 protein function. In summary, the available evidence is currently insufficient to determine the role of this variant in disease. Therefore, it has been classified as a Variant of Uncertain Significance.

NM_001376.5(DYNC1H1):c.10732A>C (p.Ile3578Leu)

Gene: DYNC1H1 (dynein cytoplasmic 1 heavy chain 1; plus strand). Cytogenetic location: 14q32.31.
Variant type: single nucleotide variant.
Coding change: c.10732A>C on transcript NM_001376.5 (MANE Select); coding-DNA position 10732, A replaced by C.
Protein change: p.Ile3578Leu; replaces isoleucine 3578 with leucine.
Molecular consequence: missense variant.
Genome position (GRCh38, 1-based): chr14:102,034,430, A>C. VCF-style: chr14-102034430-A-C. GRCh37 (hg19) VCF-style: chr14-102500767-A-C.
Other names: short protein forms I3578L.
Identifiers: ClinVar variation 4802076 (VCV004802076.1).
Genomic context (GRCh38, chr14:102,034,430, plus strand): 5'-GAGCGTCTTCGCTGGCAGGCCAGCTCCTTGCCTGCTGATGACCTTTGCACAGAAAATGCC[A>C]TCATGCTGAAACGATTCAATAGGTATGAGCTCGGGTGCCAAGGAGAGGCATGGGAGGAAT-3'
Protein context (NP_001367.2, residues 3568-3588): PADDLCTENA[Ile3578Leu]MLKRFNRYPL